The following is an entry in ClinVar:

ClinVar aggregate classification (germline): Uncertain significance (1 of 4 stars; one submission).

Submission:

Labcorp Genetics (formerly Invitae), Labcorp
Classification: Uncertain significance. Last evaluated: 2023-12-18. Review status: criteria provided, single submitter. Criteria: Invitae Variant Classification Sherloc (09022015). Collection method: clinical testing. Allele origin: germline.
Comment: A copy number gain of the genomic region encompassing the full coding sequence of the KL gene has been identified. The boundaries of this event are unknown as they extend beyond the assayed region for this gene and therefore may encompass additional genes. As the precise location of this event is unknown, it may be in tandem or it may be located elsewhere in the genome. This variant has not been reported in the literature in individuals affected with KL-related conditions. Experimental studies and prediction algorithms are not available or were not evaluated, and the functional significance of this variant is currently unknown. In summary, the available evidence is currently insufficient to determine the role of this variant in disease. Therefore, it has been classified as a Variant of Uncertain Significance.

NC_000013.10:g.(?_31033232)_(33638323_?)dup

Genes: ALOX5AP (arachidonate 5-lipoxygenase activating protein; plus strand), B3GLCT (beta 3-glucosyltransferase; plus strand), BRCA2 (BRCA2 DNA repair associated; plus strand), FRY (FRY microtubule binding protein; plus strand), HMGB1 (high mobility group box 1; minus strand) and 10 more. Cytogenetic location: 13q12.3-13.1.
Variant type: Duplication.
Identifiers: ClinVar variation 2425229 (VCV002425229.4).